The following is an entry in ClinVar:

ClinVar aggregate classification (germline): Uncertain significance (1 of 4 stars; one submission).

Submission:

Dasa
Classification: Uncertain significance. Last evaluated: 2026-02-16. Review status: criteria provided, single submitter. Criteria: DASA Assertion Criteria. Collection method: clinical testing. Allele origin: germline.
Comment: NM_006343.3(MERTK):c.2730_2731del (p.Ala911Hisfs*10) is a frameshift variant in MERTK predicted to alter the reading frame and introduce a premature termination codon and is predicted to result in an absent or altered protein product. This variant is rare in population databases. The currently available literature and clinical evidence are not sufficient to establish a definitive association between this variant and the reported condition. Therefore, this variant is classified as a variant of uncertain significance.

NM_006343.3(MERTK):c.2730_2731del (p.Ala911fs)

Gene: MERTK (MER proto-oncogene, tyrosine kinase; plus strand). Cytogenetic location: 2q13.
Variant type: Deletion.
Coding change: c.2730_2731del on transcript NM_006343.3 (MANE Select); coding-DNA positions 2730 to 2731, 2 bases deleted (TG; older notation c.2730_2731delTG).
Protein change: p.Ala911fs; shifts the reading frame from alanine 911.
Molecular consequence: frameshift variant.
Genome position (GRCh38, 1-based): chr2:112,028,594-112,028,595, TG deleted. VCF-style (leftmost placement, unchanged base first): chr2-112028593-CTG-C. GRCh37 (hg19) VCF-style: chr2-112786170-CTG-C.
Other names: short protein forms A911fs.
Identifiers: ClinVar variation 4883976 (VCV004883976.2).